The following is an entry in ClinVar:

ClinVar aggregate classification (germline): Uncertain significance (1 of 4 stars; one submission).

Conditions:
Apparent mineralocorticoid excess (AME). Also called: CORTISOL 11-BETA-KETOREDUCTASE DEFICIENCY. Identifiers: Orphanet 320, MedGen C0342488, MONDO:0009025, OMIM 218030.

Submission:

3billion
Classification: Uncertain significance for Apparent mineralocorticoid excess. Last evaluated: 2024-08-30. Review status: criteria provided, single submitter. Criteria: ACMG Guidelines, 2015. Collection method: clinical testing. Allele origin: germline. Affected: yes.
Comment: The variant is not observed in the gnomAD v4.0.0 dataset. Predicted Consequence/Location: Missense variant In silico tool predictions suggest damaging effect of the variant on gene or gene product [REVEL: 0.87 (>=0.6, sensitivity 0.68 and specificity 0.92)]. Therefore, this variant is classified as VUS according to the recommendation of ACMG/AMP guideline.

NM_000196.4(HSD11B2):c.697G>A (p.Gly233Arg)

Gene: HSD11B2 (hydroxysteroid 11-beta dehydrogenase 2; plus strand). Cytogenetic location: 16q22.1.
Variant type: single nucleotide variant.
Coding change: c.697G>A on transcript NM_000196.4 (MANE Select); coding-DNA position 697, G replaced by A.
Protein change: p.Gly233Arg; replaces glycine 233 with arginine.
Molecular consequence: missense variant.
Genome position (GRCh38, 1-based): chr16:67,436,281, G>A. VCF-style: chr16-67436281-G-A. GRCh37 (hg19) VCF-style: chr16-67470184-G-A.
Other names: short protein forms G233R.
Identifiers: ClinVar variation 4292740 (VCV004292740.1).